The following is an entry in ClinVar:

NM_001130009.3(GEN1):c.477C>G (p.Phe159Leu)

Gene: GEN1 (GEN1 Holliday junction 5' flap endonuclease; plus strand). Cytogenetic location: 2p24.2.
Variant type: single nucleotide variant.
Coding change: c.477C>G on transcript NM_001130009.3 (MANE Select); coding-DNA position 477, C replaced by G.
Protein change: p.Phe159Leu; replaces phenylalanine 159 with leucine.
Molecular consequence: missense variant.
Genome position (GRCh38, 1-based): chr2:17,765,025, C>G. VCF-style: chr2-17765025-C-G. GRCh37 (hg19) VCF-style: chr2-17946292-C-G.
Other names: c.477C>G, p.Phe159Leu (NM_182625.5); short protein forms F159L.
Identifiers: ClinVar variation 4262990 (VCV004262990.1).

ClinVar aggregate classification (germline): Uncertain significance (1 of 4 stars; one submission).

gnomAD v4.1: 1 of 1,614,112 alleles (0.000062%); highest among the groups gnomAD compares: East Asian, 0.0022%; no homozygotes.

Submission:

Ambry Genetics
Classification: Uncertain significance. Last evaluated: 2025-06-23. Review status: criteria provided, single submitter. Criteria: Ambry Variant Classification Scheme 2023. Collection method: clinical testing. Allele origin: germline.
Comment: The p.F159L variant (also known as c.477C>G), located in coding exon 3 of the GEN1 gene, results from a C to G substitution at nucleotide position 477. The phenylalanine at codon 159 is replaced by leucine, an amino acid with highly similar properties. This amino acid position is conserved. In addition, the in silico prediction for this alteration is inconclusive. Based on the available evidence, the clinical significance of this variant remains unclear.